The following is an entry in ClinVar:

ClinVar aggregate classification (germline): Pathogenic. Review status: no assertion criteria provided (0 of 4 stars). 3 submissions from 3 submitters: Pathogenic (1). 2 of the submissions do not count toward it. Last evaluated 1996-11-01.

Conditions:
Familial hemiplegic migraine. Identifiers: MedGen C0338484, MONDO:0000700.
Migraine, familial hemiplegic, 1. Also called: MIGRAINE, FAMILIAL HEMIPLEGIC 1, WITH PROGRESSIVE CEREBELLAR ATAXIA. Identifiers: Orphanet 569, MedGen C1832884, MONDO:0020756, OMIM 141500, MONDO:0007714.

Submissions (3):

OMIM
Classification: Pathogenic for MIGRAINE, FAMILIAL HEMIPLEGIC, 1. Last evaluated: 1996-11-01. Review status: no assertion criteria provided. Collection method: literature only. Allele origin: germline.

GeneReviews
No classification provided. Condition: Familial hemiplegic migraine. Review status: no classification provided. Collection method: literature only. Allele origin: germline. Not counted in ClinVar's aggregate classification.
Comment: Hemiplegic attacks and unconsciousness

UniProtKB/Swiss-Prot
No classification provided. Condition: Familial hemiplegic migraine type 1. Review status: no classification provided. Collection method: not provided. Allele origin: not provided. Not counted in ClinVar's aggregate classification.

Literature cited by the submitters: PubMed 8898206 (cited by OMIM); PubMed 9566402 (cited by GeneReviews); PubMed 20301562 (cited by GeneReviews).

NM_001127222.2(CACNA1A):c.2138T>C (p.Val713Ala)

Gene: CACNA1A (calcium voltage-gated channel subunit alpha1 A; minus strand). Cytogenetic location: 19p13.13.
Variant type: single nucleotide variant.
Coding change: c.2138T>C on transcript NM_001127222.2 (MANE Select); coding-DNA position 2138, T replaced by C.
Protein change: p.Val713Ala; replaces valine 713 with alanine.
Molecular consequence: missense variant.
Genome position (GRCh38, 1-based): chr19:13,303,580, A>G on the plus strand (T>C on the coding strand, the complement: CACNA1A is on the minus strand). VCF-style: chr19-13303580-A-G. GRCh37 (hg19) VCF-style: chr19-13414394-A-G.
Other names: c.2141T>C, p.Val714Ala (NM_000068.4, NM_001127221.2, NM_001174080.2 and 1 more transcripts); short protein forms V714A, V713A.
Identifiers: ClinVar variation 8489 (VCV000008489.3), dbSNP rs121908213, ClinGen allele CA254418.